The following is an entry in ClinVar:

ClinVar aggregate classification (germline): Benign/Likely benign. Review status: criteria provided, multiple submitters, no conflicts (2 of 4 stars). 3 submissions from 3 submitters: Benign (1); Likely benign (2). Last evaluated 2024-07-31.

Conditions:
Juvenile polyposis syndrome (JPS). Identifiers: Orphanet 2929, MedGen C0345893, MONDO:0017380, OMIM 174900.
Hereditary cancer-predisposing syndrome. Also called: Hereditary neoplastic syndrome; Tumor predisposition; Neoplastic Syndromes, Hereditary; Hereditary Cancer Syndrome. Identifiers: Orphanet 140162, MedGen C0027672, MeSH D009386, MONDO:0015356.

Allele frequency attached by ClinVar (database versions not stated): gnomAD exomes below 0.00001.
gnomAD v4.1: 1 of 1,614,142 alleles (0.000062%); highest among the groups gnomAD compares: Non-Finnish European, 0.000085%; no homozygotes.

Submissions (3):

Myriad Genetics, Inc.
Classification: Benign for Juvenile polyposis syndrome. Last evaluated: 2024-07-31. Review status: criteria provided, single submitter. Criteria: Myriad Autosomal Dominant, Autosomal Recessive and X-Linked Classification Criteria (2023). Collection method: clinical testing. Allele origin: unknown.
Comment: This variant is considered benign. This variant is a silent/synonymous amino acid change and it is not expected to impact splicing.

Labcorp Genetics (formerly Invitae), Labcorp
Classification: Likely benign for Juvenile polyposis syndrome. Last evaluated: 2023-03-24. Review status: criteria provided, single submitter. Criteria: Invitae Variant Classification Sherloc (09022015). Collection method: clinical testing. Allele origin: germline.

Ambry Genetics
Classification: Likely benign for Hereditary cancer-predisposing syndrome. Last evaluated: 2023-01-01. Review status: criteria provided, single submitter. Criteria: Ambry Variant Classification Scheme 2023. Collection method: clinical testing. Allele origin: germline.

NM_004329.3(BMPR1A):c.153A>C (p.Ala51=)

Gene: BMPR1A (bone morphogenetic protein receptor type 1A; plus strand). Cytogenetic location: 10q23.2.
Variant type: single nucleotide variant.
Coding change: c.153A>C on transcript NM_004329.3 (MANE Select); coding-DNA position 153, A replaced by C.
Protein change: p.Ala51=; no amino-acid change (alanine 51 retained).
Molecular consequence: synonymous variant. On other transcripts: non-coding transcript variant (3).
Genome position (GRCh38, 1-based): chr10:86,890,147, A>C. VCF-style: chr10-86890147-A-C. GRCh37 (hg19) VCF-style: chr10-88649904-A-C.
Other names: c.153A>C, p.Ala51= (NM_001406559.1, NM_001406560.1, NM_001406561.1 and 23 more transcripts); c.69A>C, p.Ala23= (NM_001406584.1, NM_001406585.1, NM_001406586.1 and 2 more transcripts).
Identifiers: ClinVar variation 2450274 (VCV002450274.6), dbSNP rs2539431710, ClinGen allele CA470304546.
Genomic context (GRCh38, chr10:86,890,147, plus strand): 5'-TGGCACTGGGATGAAATCAGACTCCGACCAGAAAAAGTCAGAAAATGGAGTAACCTTAGC[A>C]CCAGAGGATACCTTGCCTTTTTTAAAGTGCTATTGCTCAGGGCACTGTCCAGATGATGCT-3'
Protein context (NP_004320.2, residues 41-61): QKKSENGVTL[Ala51=]PEDTLPFLKC